The following is an entry in ClinVar:

NM_005523.6(HOXA11):c.114G>A (p.Pro38=)

Genes: HOXA11 (homeobox A11; minus strand), LOC107126281 (NUP98-HOXA11 recombination region; plus strand). Cytogenetic location: 7p15.2.
Variant type: single nucleotide variant.
Coding change: c.114G>A on transcript NM_005523.6 (MANE Select); coding-DNA position 114, G replaced by A.
Protein change: p.Pro38=; no amino-acid change (proline 38 retained).
Molecular consequence: synonymous variant.
Genome position (GRCh38, 1-based): chr7:27,185,031, C>T on the plus strand (G>A on the coding strand, the complement: HOXA11 is on the minus strand). VCF-style: chr7-27185031-C-T. GRCh37 (hg19) VCF-style: chr7-27224650-C-T.
Identifiers: ClinVar variation 4281099 (VCV004281099.8).

ClinVar aggregate classification (germline): Likely benign. Review status: criteria provided, multiple submitters, no conflicts (2 of 4 stars). 2 submissions from 2 submitters: Likely benign (2). Last evaluated 2026-02-01.

Submissions (2):

CeGaT Center for Human Genetics Tuebingen
Classification: Likely benign. Last evaluated: 2026-02-01. Review status: criteria provided, single submitter. Criteria: CeGaT Center For Human Genetics Tuebingen Variant Classification Criteria Version 2. Collection method: clinical testing. Allele origin: germline. Affected: yes. Observed: 1 variant allele.
Comment: HOXA11: BP4

Blueprint Genetics
Classification: Likely benign. Last evaluated: 2022-07-25. Review status: criteria provided, single submitter. Criteria: ACMG Guidelines, 2015. Collection method: clinical testing. Allele origin: germline.